The following is an entry in ClinVar:

NM_025132.4(WDR19):c.961+2T>C

Gene: WDR19 (WD repeat domain 19; plus strand). Cytogenetic location: 4p14.
Variant type: single nucleotide variant.
Coding change: c.961+2T>C on transcript NM_025132.4 (MANE Select); the canonical splice donor site of the intron after coding-DNA position 961, T replaced by C.
Molecular consequence: splice donor variant.
Genome position (GRCh38, 1-based): chr4:39,214,673, T>C. VCF-style: chr4-39214673-T-C. GRCh37 (hg19) VCF-style: chr4-39216293-T-C.
Other names: c.481+2T>C (NM_001317924.2).
Identifiers: ClinVar variation 841262 (VCV000841262.9), dbSNP rs1728876351, ClinGen allele CA356636295.

ClinVar aggregate classification (germline): Likely pathogenic. Review status: criteria provided, multiple submitters, no conflicts (2 of 4 stars). 2 submissions from 2 submitters: Likely pathogenic (2). Last evaluated 2022-03-10.

Conditions:
Asphyxiating thoracic dystrophy 5 (SRTD5). Also called: SHORT-RIB THORACIC DYSPLASIA 5 WITH OR WITHOUT POLYDACTYLY; SHORT-RIB THORACIC DYSPLASIA 5 WITHOUT POLYDACTYLY. Identifiers: Orphanet 474, MedGen C3280598, MONDO:0013717, OMIM 614376.
Nephronophthisis 13 (NPHP13). Identifiers: Orphanet 655, MedGen C3280612, MONDO:0013718, OMIM 614377.
Cranioectodermal dysplasia 4 (CED4). Identifiers: Orphanet 1515, MedGen C3280616, MONDO:0013719, OMIM 614378.
Senior-Loken syndrome 8 (SLSN8). Identifiers: Orphanet 3156, MedGen C4225376, MONDO:0014579, OMIM 616307.
Spermatogenic failure 72 (SPGF72). Identifiers: MedGen C5676980, MONDO:0030809, OMIM 619867.

Allele frequency attached by ClinVar (database versions not stated): gnomAD exomes below 0.00001.
gnomAD v4.1: 2 of 1,553,508 alleles (0.00013%); highest among the groups gnomAD compares: Non-Finnish European, 0.00018%; no homozygotes.

Submissions (2):

Labcorp Genetics (formerly Invitae), Labcorp
Classification: Likely pathogenic for Senior-Loken syndrome 8; Asphyxiating thoracic dystrophy 5. Last evaluated: 2022-03-10. Review status: criteria provided, single submitter. Criteria: Invitae Variant Classification Sherloc (09022015). Collection method: clinical testing. Allele origin: germline.
Comment: This variant is not present in population databases (gnomAD no frequency). This variant has not been reported in the literature in individuals affected with WDR19-related conditions. ClinVar contains an entry for this variant (Variation ID: 841262). Algorithms developed to predict the effect of sequence changes on RNA splicing suggest that this variant may disrupt the consensus splice site. In summary, the currently available evidence indicates that the variant is pathogenic, but additional data are needed to prove that conclusively. Therefore, this variant has been classified as Likely Pathogenic. This sequence change affects a donor splice site in intron 10 of the WDR19 gene. It is expected to disrupt RNA splicing. Variants that disrupt the donor or acceptor splice site typically lead to a loss of protein function (PMID: 16199547), and loss-of-function variants in WDR19 are known to be pathogenic (PMID: 22019273, 23559409, 23683095, 26275793, 27241786, 29068549).

Fulgent Genetics
Classification: Likely pathogenic for Asphyxiating thoracic dystrophy 5; Nephronophthisis 13; Cranioectodermal dysplasia 4; Senior-Loken syndrome 8; Spermatogenic failure 72. Last evaluated: 2021-09-08. Review status: criteria provided, single submitter. Criteria: ACMG Guidelines, 2015. Collection method: clinical testing. Allele origin: unknown.

Literature cited by the submitters: PubMed 16199547 (cited by Labcorp Genetics (formerly Invitae), Labcorp); PubMed 22019273 (cited by Labcorp Genetics (formerly Invitae), Labcorp); PubMed 23559409 (cited by Labcorp Genetics (formerly Invitae), Labcorp); PubMed 23683095 (cited by Labcorp Genetics (formerly Invitae), Labcorp); PubMed 26275793 (cited by Labcorp Genetics (formerly Invitae), Labcorp); PubMed 27241786 (cited by Labcorp Genetics (formerly Invitae), Labcorp); PubMed 29068549 (cited by Labcorp Genetics (formerly Invitae), Labcorp).